The following is an entry in ClinVar:

ClinVar aggregate classification (germline): Benign. Review status: criteria provided, multiple submitters, no conflicts (2 of 4 stars). 11 submissions from 9 submitters: Benign (11). Last evaluated 2026-02-04.

Conditions:
Infantile cortical hyperostosis. Also called: Hyperostosis, Cortical, Congenital; P1PK BLOOD GROUP SYSTEM, P(2) PHENOTYPE; Caffey Disease. Identifiers: Orphanet 1310, MedGen C0020497, MONDO:0007244, OMIM 114000.
Cardiovascular phenotype. Identifiers: MedGen CN230736.
Osteogenesis imperfecta (OI). Identifiers: Orphanet 666, MedGen C0029434, MeSH D010013, MONDO:0019019.
Ehlers-Danlos syndrome, arthrochalasia type. Also called: Ehlers-Danlos syndrome, arthrochalasia type, 1; EDS VII, MUTANT PROCOLLAGEN TYPE; EDS VIIA; ARTHROCHALASIS MULTIPLEX CONGENITA; Ehlers-Danlos syndrome, arthrochalasis type. Identifiers: Orphanet 1899, Orphanet 99875, Orphanet 99876, MedGen C4551623, MONDO:0007525, OMIM 130060.
Osteogenesis imperfecta type I (OI1). Also called: Lobstein disease; OI, TYPE I; OSTEOGENESIS IMPERFECTA TARDA; OSTEOGENESIS IMPERFECTA WITH BLUE SCLERAE; Osteogenesis imperfecta type 1; Classic Non-deforming Osteogenesis Imperfecta with Blue Sclerae. Identifiers: Orphanet 216796, Orphanet 666, MedGen C0023931, MONDO:0008146, OMIM 166200. Disease mechanism: loss of function.

Allele frequency attached by ClinVar (database versions not stated): gnomAD exomes 0.01331; ExAC 0.01934; gnomAD 0.04344 and 0.04610; 1000 Genomes Project 0.04673; 1000 Genomes Project 30x 0.04825; TOPMed 0.04885; ESP Exome Variant Server 0.05106.
gnomAD v4.1: 15,110 of 1,613,008 alleles (0.94%); highest among the groups gnomAD compares: African/African-American, 15%; 896 homozygotes.

Submissions (11):

Labcorp Genetics (formerly Invitae), Labcorp
Classification: Benign for Osteogenesis imperfecta type I. Last evaluated: 2026-02-04. Review status: criteria provided, single submitter. Criteria: Invitae Variant Classification Sherloc (09022015). Collection method: clinical testing. Allele origin: germline.

Molecular Diagnostic Laboratory for Inherited Cardiovascular Disease, Montreal Heart Institute
Classification: Benign. Last evaluated: 2025-04-09. Review status: criteria provided, single submitter. Criteria: ACMG Guidelines, 2015. Collection method: clinical testing. Allele origin: germline. Affected: no.

Blueprint Genetics
Classification: Benign. Last evaluated: 2024-11-27. Review status: criteria provided, single submitter. Criteria: ACMG Guidelines, 2015. Collection method: clinical testing. Allele origin: germline.

Mayo Clinic Laboratories, Mayo Clinic
Classification: Benign. Last evaluated: 2019-08-01. Review status: criteria provided, single submitter. Criteria: ACMG Guidelines, 2015. Collection method: clinical testing. Allele origin: germline. Observed: 73 variant alleles.

Ambry Genetics
Classification: Benign for Cardiovascular phenotype. Last evaluated: 2019-04-23. Review status: criteria provided, single submitter. Criteria: Ambry Variant Classification Scheme 2023. Collection method: clinical testing. Allele origin: germline.

Illumina Laboratory Services, Illumina
Classification: Benign for Ehlers-Danlos syndrome, arthrochalasia type. Last evaluated: 2018-01-13. Review status: criteria provided, single submitter. Criteria: ICSL Variant Classification Criteria 13 December 2019. Collection method: clinical testing. Allele origin: germline.
Comment: This variant was observed in the ICSL laboratory as part of a predisposition screen in an ostensibly healthy population. It had not been previously curated by ICSL or reported in the Human Gene Mutation Database (HGMD: prior to June 1st, 2018), and was therefore a candidate for classification through an automated scoring system. Utilizing variant allele frequency, disease prevalence and penetrance estimates, and inheritance mode, an automated score was calculated to assess if this variant is too frequent to cause the disease. Based on the score and internal cut-off values, a variant classified as benign is not then subjected to further curation. The score for this variant resulted in a classification of benign for this disease.

Illumina Laboratory Services, Illumina
Classification: Benign for Osteogenesis imperfecta. Last evaluated: 2018-01-13. Review status: criteria provided, single submitter. Criteria: ICSL Variant Classification Criteria 13 December 2019. Collection method: clinical testing. Allele origin: germline.
Comment: the same text as in the submission from Illumina Laboratory Services, Illumina above.

Illumina Laboratory Services, Illumina
Classification: Benign for Infantile cortical hyperostosis. Last evaluated: 2018-01-13. Review status: criteria provided, single submitter. Criteria: ICSL Variant Classification Criteria 13 December 2019. Collection method: clinical testing. Allele origin: germline.
Comment: the same text as in the submission from Illumina Laboratory Services, Illumina above.

Athena Diagnostics
Classification: Benign. Last evaluated: 2017-08-31. Review status: criteria provided, single submitter. Criteria: Athena Diagnostics Criteria. Collection method: clinical testing. Allele origin: germline.

GeneDx
Classification: Benign. Last evaluated: 2016-06-07. Review status: criteria provided, single submitter. Criteria: GeneDx Variant Classification (06012015). Collection method: clinical testing. Allele origin: germline. Affected: yes.
Comment: This variant is considered likely benign or benign based on one or more of the following criteria: it is a conservative change, it occurs at a poorly conserved position in the protein, it is predicted to be benign by multiple in silico algorithms, and/or has population frequency not consistent with disease.

Breakthrough Genomics
Classification: Benign. Review status: criteria provided, single submitter. Criteria: ACMG Guidelines, 2015. Collection method: not provided. Allele origin: germline. Inheritance: Autosomal dominant inheritance. Affected: yes.

Literature cited by the submitters: PubMed 18272325 (cited by Athena Diagnostics).

NM_000088.4(COL1A1):c.3459T>C (p.Asp1153=)

Gene: COL1A1 (collagen type I alpha 1 chain; minus strand). Cytogenetic location: 17q21.33.
Variant type: single nucleotide variant.
Coding change: c.3459T>C on transcript NM_000088.4 (MANE Select); coding-DNA position 3459, T replaced by C.
Protein change: p.Asp1153=; no amino-acid change (aspartic acid 1153 retained).
Molecular consequence: synonymous variant.
Genome position (GRCh38, 1-based): chr17:50,187,087, A>G on the plus strand (T>C on the coding strand, the complement: COL1A1 is on the minus strand). VCF-style: chr17-50187087-A-G. GRCh37 (hg19) VCF-style: chr17-48264448-A-G.
Other names: p.Asp1153=.
Identifiers: ClinVar variation 324100 (VCV000324100.22), dbSNP rs1800218, ClinGen allele CA8644432.